The following is an entry in ClinVar:

ClinVar aggregate classification (germline): Pathogenic. Review status: criteria provided, multiple submitters, no conflicts (2 of 4 stars). 10 submissions from 10 submitters: Pathogenic (7). 3 of the submissions do not count toward it. Last evaluated 2026-08-06.

Conditions:
Early-infantile DEE. Also called: Ohtahara syndrome; Early infantile epileptic encephalopathy; Early infantile epileptic encephalopathy with suppression bursts. Identifiers: Orphanet 1934, MedGen C0393706, MONDO:0800491.
Developmental and epileptic encephalopathy, 7 (DEE7). Also called: Early infantile epileptic encephalopathy 7; KCNQ2-Related Neonatal Epileptic Encephalopathy; KCNQ2-Related Neonatal-Onset Developmental and Epileptic Encephalopathy (NEO-DEE). Identifiers: Orphanet 439218, MedGen C3150986, MONDO:0013387, OMIM 613720.
Seizures, benign familial neonatal, 1. Also called: Seizures, benign neonatal, 1; Benign Neonatal Epilepsy 1; KCNQ2-Related Benign Familial Neonatal Epilepsy; KCNQ2-Related Self-Limited Familial Neonatal Epilepsy (SLFNE). Identifiers: Orphanet 1949, MedGen C3149074, MONDO:0007365, OMIM 121200.
Seizures, benign familial neonatal, 1, and/or myokymia. Identifiers: MedGen C3149075.
Paediatric disorders.
KCNQ2-Related Disorders. Also called: KCNQ2-related condition; KCNQ2-related disorder. Identifiers: MedGen CN169299.

Allele frequency attached by ClinVar (database versions not stated): gnomAD exomes below 0.00001.
gnomAD v4.1: 1 of 1,603,638 alleles (0.000062%); highest among the groups gnomAD compares: Non-Finnish European, 0.000085%; no homozygotes.

Submissions (16):

NHS Central & South Genomic Laboratory Hub
Classification: Pathogenic for Paediatric disorders. Last evaluated: 2026-08-06. Review status: criteria provided, single submitter. Criteria: ACMG Guidelines, 2015. Collection method: clinical testing. Allele origin: germline. Affected: yes.

Labcorp Genetics (formerly Invitae), Labcorp
Classification: Pathogenic for Early-infantile DEE. Last evaluated: 2025-09-08. Review status: criteria provided, single submitter. Criteria: Invitae Variant Classification Sherloc (09022015). Collection method: clinical testing. Allele origin: germline.
Comment: This sequence change replaces arginine, which is basic and polar, with glutamine, which is neutral and polar, at codon 207 of the KCNQ2 protein (p.Arg207Gln). This variant is not present in population databases (gnomAD no frequency). This missense change has been observed in individual(s) with KCNQ2-related conditions (PMID: 17872363, 25959266, 29655203, 32184343, 34711204). In at least one individual the variant was observed to be de novo. ClinVar contains an entry for this variant (Variation ID: 7391). Invitae Evidence Modeling of protein sequence and biophysical properties (such as structural, functional, and spatial information, amino acid conservation, physicochemical variation, residue mobility, and thermodynamic stability) indicates that this missense variant is expected to disrupt KCNQ2 protein function with a positive predictive value of 95%. Experimental studies have shown that this missense change affects KCNQ2 function (PMID: 17872363, 22455920). This variant disrupts the p.Arg207 amino acid residue in KCNQ2. Other variant(s) that disrupt this residue have been determined to be pathogenic (PMID: 11572947, 22169383, 22455920, 24375629). This suggests that this residue is clinically significant, and that variants that disrupt this residue are likely to be disease-causing. For these reasons, this variant has been classified as Pathogenic.

3billion
Classification: Pathogenic for Developmental and epileptic encephalopathy, 7. Last evaluated: 2024-06-13. Review status: criteria provided, single submitter. Criteria: ACMG Guidelines, 2015. Collection method: clinical testing. Allele origin: germline. Affected: yes.
Comment: The variant is observed at an extremely low frequency in the gnomAD v4.0.0 dataset (total allele frequency: <0.001%). Predicted Consequence/Location: The variant is located in a mutational hot spot and/or well-established functional domain in which established pathogenic variants have been reported. In silico tool predictions suggest damaging effect of the variant on gene or gene product [REVEL: 0.94 (>=0.6, sensitivity 0.68 and specificity 0.92); 3Cnet: 0.99 (>=0.6, sensitivity 0.72 and precision 0.9)]. The same nucleotide change resulting in the same amino acid change has been previously reported as pathogenic/likely pathogenic with strong evidence (ClinVar ID: VCV000007391 /PMID: 17872363). A different missense change at the same codon (p.Arg207Trp) has been reported as pathogenic/likely pathogenic with strong evidence (ClinVar ID: VCV000007386 /PMID: 11572947). Therefore, this variant is classified as Pathogenic according to the recommendation of ACMG/AMP guideline.

Blueprint Genetics
Classification: Pathogenic for KCNQ2-related disorders. Last evaluated: 2023-11-02. Review status: criteria provided, single submitter. Criteria: ACMG Guidelines, 2015. Collection method: clinical testing. Allele origin: germline. Affected: yes. Observed: 2 variant alleles.

GeneDx
Classification: Pathogenic. Last evaluated: 2022-10-31. Review status: criteria provided, single submitter. Criteria: GeneDx Variant Classification Process June 2021. Collection method: clinical testing. Allele origin: germline. Affected: yes.
Comment: Previously reported in an individual with myokymia due to peripheral nerve hyperexcitability, and functional studies indicate this variant alters voltage-dependent activation (Wuttke et al., 2007; Miceli et al., 2012); Missense variants in this gene are often considered pathogenic (HGMD); In silico analysis supports that this missense variant has a deleterious effect on protein structure/function; Not observed at significant frequency in large population cohorts (gnomAD); This variant is associated with the following publications: (PMID: 17872363, 29655203, 22455920, 32184343, 25959266, 25741868, 24375629, 22169383, 11572947, 32884139, 32506321, 33098118)

Athena Diagnostics
Classification: Pathogenic. Last evaluated: 2019-01-08. Review status: criteria provided, single submitter. Criteria: Athena Diagnostics Criteria. Collection method: clinical testing. Allele origin: germline.
Comment: Not found in the total gnomAD dataset, and the data is high quality (0/270462 chr). Predicted to have a damaging effect on the protein.

Fulgent Genetics
Classification: Pathogenic for Seizures, benign familial neonatal, 1; Developmental and epileptic encephalopathy, 7. Last evaluated: 2018-10-31. Review status: criteria provided, single submitter. Criteria: ACMG Guidelines, 2015. Collection method: clinical testing. Allele origin: unknown.

PreventionGenetics, part of Exact Sciences
Classification: Pathogenic for KCNQ2-related condition. Last evaluated: 2024-08-05. Review status: no assertion criteria provided. Collection method: clinical testing. Allele origin: germline. Not counted in ClinVar's aggregate classification.
Comment: The KCNQ2 c.620G>A variant is predicted to result in the amino acid substitution p.Arg207Gln. This variant has been reported in several individuals with KCNQ2-related phenotypes (Wuttke et al 2007. PubMed ID: 17872363; Lindy AS et al 2018. PubMed ID: 29655203; Camelo CG et al 2020. PubMed ID: 32184343; Sandoval Karamian AG et al 2020. PubMed ID: 33098118). This variant has not been reported in a large population database, indicating it is rare. This variant modifies a charged residue in the ion channel S4 voltage sensor. Variants of this type, including a different missense variant at the same position (p.Arg207Trp), have been associated with disease (Dedek et al. 2001. PubMed ID: 11572947), and both p.Arg207 missense variants change the biochemical properties of the ion channel in vitro (Miceli F et al 2012. PubMed ID: 22455920). Taken together, the c.620G>A (p.Arg207Gln) variant is interpreted as pathogenic.

OMIM
Classification: Pathogenic for SEIZURES, BENIGN FAMILIAL NEONATAL, 1, AND/OR MYOKYMIA. Last evaluated: 2007-11-27. Review status: no assertion criteria provided. Collection method: literature only. Allele origin: germline. Not counted in ClinVar's aggregate classification.

Channelopathy-Associated Epilepsy Research Center
No classification provided (evidence only). Condition: Complex neurodevelopmental disorder. Review status: no classification provided. Collection method: literature only. Allele origin: not applicable. Functional consequence: Normal peak current, Severe slowing of activation, Severe depolarizing shift of voltage dependence of activation. Not counted in ClinVar's aggregate classification.
ClinVar note: "not provided" was previously submitted as the classification for the variant. However, the classification appeared to be based only on an observation of functional data so it was converted to no classification on 2025-07-30.

Channelopathy-Associated Epilepsy Research Center
No classification provided (evidence only). Review status: no classification provided. Collection method: in vitro. Allele origin: not applicable. Functional consequence: Normal peak current. Not counted in ClinVar's aggregate classification.

Channelopathy-Associated Epilepsy Research Center
No classification provided (evidence only). Review status: no classification provided. Collection method: in vitro. Allele origin: not applicable. Functional consequence: Normal peak current. Not counted in ClinVar's aggregate classification.

Channelopathy-Associated Epilepsy Research Center
No classification provided (evidence only). Review status: no classification provided. Collection method: in vitro. Allele origin: not applicable. Functional consequence: Depolarizing shift of voltage dependence of activation. Not counted in ClinVar's aggregate classification.

Channelopathy-Associated Epilepsy Research Center
No classification provided (evidence only). Review status: no classification provided. Collection method: in vitro. Allele origin: not applicable. Functional consequence: Increase in slope of activation. Not counted in ClinVar's aggregate classification.

Channelopathy-Associated Epilepsy Research Center
No classification provided (evidence only). Review status: no classification provided. Collection method: in vitro. Allele origin: not applicable. Functional consequence: Slowing of activation. Not counted in ClinVar's aggregate classification.

GeneReviews
No classification provided. Condition: Developmental and epileptic encephalopathy, 7. Review status: no classification provided. Collection method: literature only. Allele origin: germline. Affected: yes. Not counted in ClinVar's aggregate classification.
Comment: Myokymia, EE (epileptic encephalopathy)

Functional effect: Rightward shift in current voltage-dependence; decrease in current activation kinetics

Literature cited by the submitters: PubMed 17872363 (cited by 5 submitters); PubMed 25959266 (cited by 3 submitters); PubMed 29655203 (cited by Labcorp Genetics (formerly Invitae), Labcorp); PubMed 32184343 (cited by Labcorp Genetics (formerly Invitae), Labcorp); PubMed 34711204 (cited by Labcorp Genetics (formerly Invitae), Labcorp); PubMed 22455920 (cited by Labcorp Genetics (formerly Invitae), Labcorp); PubMed 11572947 (cited by Labcorp Genetics (formerly Invitae), Labcorp and 3billion); PubMed 22169383 (cited by Labcorp Genetics (formerly Invitae), Labcorp); PubMed 24375629 (cited by Labcorp Genetics (formerly Invitae), Labcorp); PubMed 35104249 (cited by Channelopathy-Associated Epilepsy Research Center); NCBI Bookshelf NBK32534 (cited by GeneReviews).

NM_172107.4(KCNQ2):c.620G>A (p.Arg207Gln)

Gene: KCNQ2 (potassium voltage-gated channel subfamily Q member 2; minus strand). Cytogenetic location: 20q13.33.
Variant type: single nucleotide variant.
Coding change: c.620G>A on transcript NM_172107.4 (MANE Select); coding-DNA position 620, G replaced by A.
Protein change: p.Arg207Gln; replaces arginine 207 with glutamine.
Molecular consequence: missense variant.
Genome position (GRCh38, 1-based): chr20:63,444,729, C>T on the plus strand (G>A on the coding strand, the complement: KCNQ2 is on the minus strand). VCF-style: chr20-63444729-C-T. GRCh37 (hg19) VCF-style: chr20-62076082-C-T.
Other names: p.R207Q:CGG>CAG; c.620G>A, p.Arg207Gln (NM_004518.6, NM_172106.3, NM_172108.5 and 1 more transcripts); short protein forms R207Q.
Identifiers: ClinVar variation 7391 (VCV000007391.24), dbSNP rs118192200, ClinGen allele CA118745.